The following is an entry in ClinVar:

NM_001394998.1(TANC2):c.4452G>T (p.Gln1484His)

Gene: TANC2 (tetratricopeptide repeat, ankyrin repeat and coiled-coil containing 2; plus strand). Cytogenetic location: 17q23.3.
Variant type: single nucleotide variant.
Coding change: c.4452G>T on transcript NM_001394998.1 (MANE Select); coding-DNA position 4452, G replaced by T.
Protein change: p.Gln1484His; replaces glutamine 1484 with histidine.
Molecular consequence: missense variant.
Genome position (GRCh38, 1-based): chr17:63,420,182, G>T. VCF-style: chr17-63420182-G-T. GRCh37 (hg19) VCF-style: chr17-61497543-G-T.
Other names: c.4230G>T, p.Gln1410His (NM_001411076.1); c.4200G>T, p.Gln1400His (NM_025185.4); short protein forms Q1400H, Q1410H, Q1484H.
Identifiers: ClinVar variation 1709039 (VCV001709039.2), dbSNP rs1325516815, ClinGen allele CA400541333.
Genomic context (GRCh38, chr17:63,420,182, plus strand): 5'-GCCACCGCCGCCACCGCAGCCTCAGCAGCAGTTGCCGGAAGAAGCAGAACCTGAGCCACA[G>T]CATGAAGACATATACTCTGTACAGGATATATTCGAGGAGGAGTACCTGGAACAGGATGTT-3'
Protein context (NP_001381927.1, residues 1474-1494): QLPEEAEPEP[Gln1484His]HEDIYSVQDI

ClinVar aggregate classification (germline): Uncertain significance (1 of 4 stars; one submission).

Conditions:
Intellectual developmental disorder with autistic features and language delay, with or without seizures. Identifiers: MedGen C5394447, MONDO:0030051, OMIM 618906.

gnomAD v4.1: 3 of 1,584,334 alleles (0.00019%); highest among the groups gnomAD compares: East Asian, 0.0069%; no homozygotes.

Submission:

MGZ Medical Genetics Center
Classification: Uncertain significance for Intellectual developmental disorder with autistic features and language delay, with or without seizures. Last evaluated: 2022-05-25. Review status: criteria provided, single submitter. Criteria: ACMG Guidelines, 2015. Collection method: clinical testing. Allele origin: germline. Affected: yes. Observed: 1 variant allele.
Comment: ACMG criteria applied: PM2_SUP